The following is an entry in ClinVar:

ClinVar aggregate classification (germline): Uncertain significance (1 of 4 stars; one submission).

gnomAD v4.1: 4 of 1,613,504 alleles (0.00025%); highest among the groups gnomAD compares: Non-Finnish European, 0.00034%; no homozygotes.

Submission:

CeGaT Center for Human Genetics Tuebingen
Classification: Uncertain significance. Last evaluated: 2025-09-01. Review status: criteria provided, single submitter. Criteria: CeGaT Center For Human Genetics Tuebingen Variant Classification Criteria Version 2. Collection method: clinical testing. Allele origin: germline. Affected: yes. Observed: 1 variant allele.
Comment: TTN: PM2, BP4

NM_001267550.2(TTN):c.32680C>A (p.Leu10894Ile)

Gene: TTN (titin; minus strand). Cytogenetic location: 2q31.2.
Variant type: single nucleotide variant.
Coding change: c.32680C>A on transcript NM_001267550.2 (MANE Select); coding-DNA position 32680, C replaced by A.
Protein change: p.Leu10894Ile; replaces leucine 10894 with isoleucine.
Molecular consequence: missense variant. On other transcripts: intron variant (3).
Genome position (GRCh38, 1-based): chr2:178,684,372, G>T on the plus strand (C>A on the coding strand, the complement: TTN is on the minus strand). VCF-style: chr2-178684372-G-T. GRCh37 (hg19) VCF-style: chr2-179549099-G-T.
Other names: c.31729C>A, p.Leu10577Ile (NM_001256850.1); c.28948C>A, p.Leu9650Ile (NM_133378.4); c.13283-42055C>A (NM_003319.4); c.13859-42055C>A (NM_133437.4); c.13658-42055C>A (NM_133432.3); short protein forms L10577I, L10894I, L9650I.
Identifiers: ClinVar variation 4533511 (VCV004533511.6).